The following is an entry in ClinVar:

NM_020975.6(RET):c.2174T>C (p.Val725Ala)

Gene: RET (ret proto-oncogene; plus strand). Cytogenetic location: 10q11.21.
Variant type: single nucleotide variant.
Coding change: c.2174T>C on transcript NM_020975.6 (MANE Select); coding-DNA position 2174, T replaced by C.
Protein change: p.Val725Ala; replaces valine 725 with alanine.
Molecular consequence: missense variant.
Genome position (GRCh38, 1-based): chr10:43,116,621, T>C. VCF-style: chr10-43116621-T-C. GRCh37 (hg19) VCF-style: chr10-43612069-T-C.
Other names: c.1277T>C, p.Val426Ala (NM_001406781.1, NM_001406782.1, NM_001406779.1 and 1 more transcripts); c.1148T>C, p.Val383Ala (NM_001406783.1, NM_001406786.1); c.1184T>C, p.Val395Ala (NM_001406784.1); c.1157T>C, p.Val386Ala (NM_001406785.1); c.1142T>C, p.Val381Ala (NM_001406787.1); c.989T>C, p.Val330Ala (NM_001406788.1, NM_001406789.1, NM_001406790.1); c.1412T>C, p.Val471Ala (NM_001355216.2); c.2174T>C, p.Val725Ala (NM_001406743.1, NM_001406744.1, NM_001406759.1 and 2 more transcripts); and 10 more; short protein forms V550A, V579A, V629A, V381A, V386A, V483A, V725A, V242A.
Identifiers: ClinVar variation 3944671 (VCV003944671.1).

ClinVar aggregate classification (germline): Uncertain significance (1 of 4 stars; one submission).

Conditions:
Hereditary cancer-predisposing syndrome. Also called: Tumor predisposition; Hereditary neoplastic syndrome; Hereditary Cancer Syndrome; Neoplastic Syndromes, Hereditary. Identifiers: Orphanet 140162, MedGen C0027672, MeSH D009386, MONDO:0015356.

Submission:

Ambry Genetics
Classification: Uncertain significance for Hereditary cancer-predisposing syndrome. Last evaluated: 2025-05-23. Review status: criteria provided, single submitter. Criteria: Ambry Variant Classification Scheme 2023. Collection method: clinical testing. Allele origin: germline.
Comment: The p.V725A variant (also known as c.2174T>C), located in coding exon 12 of the RET gene, results from a T to C substitution at nucleotide position 2174. The valine at codon 725 is replaced by alanine, an amino acid with similar properties. This amino acid position is conserved. In addition, the in silico prediction for this alteration is inconclusive. Based on the available evidence, the clinical significance of this variant remains unclear.